The following is an entry in ClinVar:

ClinVar aggregate classification (germline): Benign (0 of 4 stars; one submission).

Conditions:
CLASP2-related disorder. Also called: CLASP2-related condition.

Allele frequency attached by ClinVar (database versions not stated): gnomAD 0.00029; gnomAD exomes 0.00030; TOPMed 0.00035; ExAC 0.00079; 1000 Genomes Project 30x 0.00219; 1000 Genomes Project 0.00220.
gnomAD v4.1: 469 of 1,613,734 alleles (0.029%); highest among the groups gnomAD compares: East Asian, 1%; 3 homozygotes.

Submission:

PreventionGenetics, part of Exact Sciences
Classification: Benign for CLASP2-related condition. Last evaluated: 2019-10-28. Review status: no assertion criteria provided. Collection method: clinical testing. Allele origin: germline.
Comment: This variant is classified as benign based on ACMG/AMP sequence variant interpretation guidelines (Richards et al. 2015 PMID: 25741868, with internal and published modifications).

NM_001365631.1(CLASP2):c.3881A>G (p.Tyr1294Cys)

Gene: CLASP2 (cytoplasmic linker associated protein 2; minus strand). Cytogenetic location: 3p22.3.
Variant type: single nucleotide variant.
Coding change: c.3881A>G on transcript NM_001365631.1 (MANE Select); coding-DNA position 3881, A replaced by G.
Protein change: p.Tyr1294Cys; replaces tyrosine 1294 with cysteine.
Molecular consequence: missense variant.
Genome position (GRCh38, 1-based): chr3:33,517,081, T>C on the plus strand (A>G on the coding strand, the complement: CLASP2 is on the minus strand). VCF-style: chr3-33517081-T-C. GRCh37 (hg19) VCF-style: chr3-33558573-T-C.
Other names: c.3245A>G, p.Tyr1082Cys (NM_001207044.3, NM_001400424.1); c.3944A>G, p.Tyr1315Cys (NM_001365627.1); c.3968A>G, p.Tyr1323Cys (NM_001365628.1); c.3965A>G, p.Tyr1322Cys (NM_001365629.1); c.3890A>G, p.Tyr1297Cys (NM_001365630.1); c.3878A>G, p.Tyr1293Cys (NM_001365632.1); c.3842A>G, p.Tyr1281Cys (NM_001365633.1); c.3839A>G, p.Tyr1280Cys (NM_001365634.1, NM_001375703.1); and 37 more; short protein forms Y1046C, Y1047C, Y1052C, Y1060C, Y1061C, Y1063C, Y1066C, Y1067C.
Identifiers: ClinVar variation 3041004 (VCV003041004.2), dbSNP rs183373873, ClinGen allele CA2302152.